The following is an entry in ClinVar:

NM_021620.4(PRDM13):c.1226C>A (p.Pro409Gln)

Gene: PRDM13 (PR/SET domain 13; plus strand). Cytogenetic location: 6q16.2.
Variant type: single nucleotide variant.
Coding change: c.1226C>A on transcript NM_021620.4 (MANE Select); coding-DNA position 1226, C replaced by A.
Protein change: p.Pro409Gln; replaces proline 409 with glutamine.
Molecular consequence: missense variant.
Genome position (GRCh38, 1-based): chr6:99,613,861, C>A. VCF-style: chr6-99613861-C-A. GRCh37 (hg19) VCF-style: chr6-100061737-C-A.
Other names: short protein forms P409Q.
Identifiers: ClinVar variation 860479 (VCV000860479.9), dbSNP rs982635235, ClinGen allele CA365117965.
Genomic context (GRCh38, chr6:99,613,861, plus strand): 5'-TCCCTCTGCTCTCCGTCCCCCCGGAAGAGGCGTCCGCCTTCAAGCACGTGGAGCGCGCCC[C>A]GCCCGCAGCCGCCGCGCTGCCAGGAGCGCGTTATGCGCAGCTGCCCCCTGCGCCGGGGTT-3'
Protein context (NP_067633.2, residues 399-419): ASAFKHVERA[Pro409Gln]PAAAALPGAR

ClinVar aggregate classification (germline): Uncertain significance (1 of 4 stars; one submission).

gnomAD v4.1: 2 of 1,507,646 alleles (0.00013%); highest among the groups gnomAD compares: Non-Finnish European, 0.00018%; no homozygotes.

Submission:

Labcorp Genetics (formerly Invitae), Labcorp
Classification: Uncertain significance. Last evaluated: 2024-10-29. Review status: criteria provided, single submitter. Criteria: Invitae Variant Classification Sherloc (09022015). Collection method: clinical testing. Allele origin: germline.
Comment: This sequence change replaces proline, which is neutral and non-polar, with glutamine, which is neutral and polar, at codon 409 of the PRDM13 protein (p.Pro409Gln). This variant is not present in population databases (gnomAD no frequency). This variant has not been reported in the literature in individuals affected with PRDM13-related conditions. ClinVar contains an entry for this variant (Variation ID: 860479). An algorithm developed to predict the effect of missense changes on protein structure and function outputs the following: PolyPhen-2: "Benign". The glutamine amino acid residue is found in multiple mammalian species, which suggests that this missense change does not adversely affect protein function. In summary, the available evidence is currently insufficient to determine the role of this variant in disease. Therefore, it has been classified as a Variant of Uncertain Significance.